The following is an entry in ClinVar:

ClinVar aggregate classification (germline): Uncertain significance (1 of 4 stars; one submission).

gnomAD v4.1: 1 of 1,614,122 alleles (0.000062%); no homozygotes.

Submission:

GeneDx
Classification: Uncertain significance. Last evaluated: 2023-06-27. Review status: criteria provided, single submitter. Criteria: GeneDx Variant Classification Process June 2021. Collection method: clinical testing. Allele origin: germline. Affected: yes.
Comment: Not observed at significant frequency in large population cohorts (gnomAD); In silico analysis supports that this missense variant does not alter protein structure/function; Located in the zonadhesin domain (Hildebrand et al., 2011; Yasukawa et al., 2019; Verhoeven et al., 1998); Has not been previously published as pathogenic or benign to our knowledge; This variant is associated with the following publications: (PMID: 21520338, 31554319, 9590290)

NM_005422.4(TECTA):c.3221C>T (p.Thr1074Ile)

Genes: TBCEL-TECTA (TBCEL-TECTA readthrough; plus strand), TECTA (tectorin alpha; plus strand). Cytogenetic location: 11q23.3.
Variant type: single nucleotide variant.
Coding change: c.3221C>T on transcript NM_005422.4 (MANE Select); coding-DNA position 3221, C replaced by T.
Protein change: p.Thr1074Ile; replaces threonine 1074 with isoleucine.
Molecular consequence: missense variant.
Genome position (GRCh38, 1-based): chr11:121,137,700, C>T. VCF-style: chr11-121137700-C-T. GRCh37 (hg19) VCF-style: chr11-121008409-C-T.
Other names: c.4178C>T, p.Thr1393Ile (NM_001378761.1); short protein forms T1074I, T1393I.
Identifiers: ClinVar variation 3360243 (VCV003360243.1).